The following is an entry in ClinVar:

NM_017617.5(NOTCH1):c.1123G>A (p.Ala375Thr)

Gene: NOTCH1 (notch receptor 1; minus strand). Cytogenetic location: 9q34.3.
Variant type: single nucleotide variant.
Coding change: c.1123G>A on transcript NM_017617.5 (MANE Select); coding-DNA position 1123, G replaced by A.
Protein change: p.Ala375Thr; replaces alanine 375 with threonine.
Molecular consequence: missense variant.
Genome position (GRCh38, 1-based): chr9:136,518,269, C>T on the plus strand (G>A on the coding strand, the complement: NOTCH1 is on the minus strand). VCF-style: chr9-136518269-C-T. GRCh37 (hg19) VCF-style: chr9-139412721-C-T.
Other names: short protein forms A375T.
Identifiers: ClinVar variation 3226947 (VCV003226947.1), dbSNP rs2133369908, ClinGen allele CA375565020.

ClinVar aggregate classification (germline): Uncertain significance (1 of 4 stars; one submission).

Conditions:
Familial thoracic aortic aneurysm and aortic dissection (TAAD). Also called: Thoracic aortic aneurysms and dissections. Identifiers: Orphanet 91387, MedGen C4707243, MONDO:0019625.

gnomAD v4.1: 3 of 1,610,972 alleles (0.00019%); highest among the groups gnomAD compares: South Asian, 0.0011%; no homozygotes.

Submission:

Ambry Genetics
Classification: Uncertain significance for Familial thoracic aortic aneurysm and aortic dissection. Last evaluated: 2023-11-18. Review status: criteria provided, single submitter. Criteria: Ambry Variant Classification Scheme 2023. Collection method: clinical testing. Allele origin: germline.
Comment: The p.A375T variant (also known as c.1123G>A), located in coding exon 7 of the NOTCH1 gene, results from a G to A substitution at nucleotide position 1123. The alanine at codon 375 is replaced by threonine, an amino acid with similar properties. This amino acid position is conserved. In addition, the in silico prediction for this alteration is inconclusive. Since supporting evidence is limited at this time, the clinical significance of this alteration remains unclear.